The following is an entry in ClinVar:

NM_000552.5(VWF):c.3610C>T (p.Arg1204Trp)

Gene: VWF (von Willebrand factor; minus strand). Cytogenetic location: 12p13.31.
Variant type: single nucleotide variant.
Coding change: c.3610C>T on transcript NM_000552.5 (MANE Select); coding-DNA position 3610, C replaced by T.
Protein change: p.Arg1204Trp; replaces arginine 1204 with tryptophan.
Molecular consequence: missense variant.
Genome position (GRCh38, 1-based): chr12:6,021,964, G>A on the plus strand (C>T on the coding strand, the complement: VWF is on the minus strand). VCF-style: chr12-6021964-G-A. GRCh37 (hg19) VCF-style: chr12-6131130-G-A.
Other names: c.3610C>T (NM_000552.3); short protein forms R1204W.
Identifiers: ClinVar variation 2682106 (VCV002682106.5), dbSNP rs769502210, ClinGen allele CA6402725.

ClinVar aggregate classification (germline): Uncertain significance. Review status: criteria provided, multiple submitters, no conflicts (2 of 4 stars). 4 submissions from 4 submitters: Uncertain significance (4). Last evaluated 2025-10-21.

Conditions:
von Willebrand disease type 2 (VWD2). Also called: VON WILLEBRAND DISEASE, TYPE II; VON WILLEBRAND DISEASE, TYPE 2A/IIE; VON WILLEBRAND DISEASE, TYPE 2CB; VWD, TYPE 2. Identifiers: Orphanet 166081, Orphanet 903, MedGen C1264040, MONDO:0013304, OMIM 613554.
von Willebrand disease type 1 (VWD1). Also called: VON WILLEBRAND DISEASE, TYPE I; VWD, TYPE 1. Identifiers: Orphanet 166078, Orphanet 903, MedGen C1264039, MONDO:0008668, OMIM 193400. Inheritance: autosomal recessive or autosomal dominant.
von Willebrand disease type 3 (VWD3). Also called: Type 3 Von Willebrand's disease; Type 3 VWD; Von Willebrand disease, severe form; V WD3; VON WILLEBRAND DISEASE, TYPE III. Identifiers: Orphanet 166096, MedGen C1264041, MONDO:0010191, OMIM 277480.
Inborn genetic diseases. Identifiers: MedGen C0950123, MeSH D030342.

Allele frequency attached by ClinVar (database versions not stated): ExAC 0.00001; gnomAD exomes 0.00002; gnomAD 0.00003; TOPMed 0.00006.
gnomAD v4.1: 39 of 1,613,972 alleles (0.0024%); highest among the groups gnomAD compares: Admixed American, 0.0033%; no homozygotes.

Submissions (4):

Quest Diagnostics Nichols Institute San Juan Capistrano
Classification: Uncertain significance. Last evaluated: 2025-10-21. Review status: criteria provided, single submitter. Criteria: Quest Diagnostics criteria. Collection method: clinical testing. Allele origin: unknown.
Comment: The VWF c.3610C>T (p.Arg1204Trp) variant has been reported in an individual with Type 1 von Willebrand disease (PMID: 33556167 (2021)). The frequency of this variant in the general population (Genome Aggregation Database) is uninformative in the assessment of its pathogenicity. Analysis of this variant using bioinformatics tools for the prediction of the effect of amino acid changes on protein structure and function yielded predictions that this variant is benign. Based on the available information, we are unable to determine the clinical significance of this variant.

Women's Health and Genetics/Laboratory Corporation of America, LabCorp
Classification: Uncertain significance. Last evaluated: 2025-05-28. Review status: criteria provided, single submitter. Criteria: LabCorp Variant Classification Summary - May 2015. Collection method: clinical testing. Allele origin: germline.
Comment: Variant summary: VWF c.3610C>T (p.Arg1204Trp) results in a non-conservative amino acid change in the encoded protein sequence. Algorithms developed to predict the effect of missense changes on protein structure and function are either unavailable or do not agree on the potential impact of this missense change. The variant allele was found at a frequency of 2e-05 in 251490 control chromosomes. The available data on variant occurrences in the general population are insufficient to allow any conclusion about variant significance. c.3610C>T has been observed in at least one individual affected with Von Willebrand Disease (Sadler_2021). These data do not allow any conclusion about variant significance. To our knowledge, no experimental evidence demonstrating an impact on protein function has been reported. The following publication have been ascertained in the context of this evaluation (PMID: 33556167). ClinVar contains an entry for this variant (Variation ID: 2682106). Based on the evidence outlined above, the variant was classified as uncertain significance.

Ambry Genetics
Classification: Uncertain significance for Inborn genetic diseases. Last evaluated: 2024-03-20. Review status: criteria provided, single submitter. Criteria: Ambry Variant Classification Scheme 2023. Collection method: clinical testing. Allele origin: germline.

Department of Pathology and Laboratory Medicine, Sinai Health System
Classification: Uncertain significance for von Willebrand disease type 1; von Willebrand disease type 3; von Willebrand disease type 2. Last evaluated: 2021-07-30. Review status: criteria provided, single submitter. Criteria: ACMG Guidelines, 2015. Collection method: research. Allele origin: germline.

Literature cited by the submitters: PubMed 33556167 (cited by Quest Diagnostics Nichols Institute San Juan Capistrano and Women's Health and Genetics/Laboratory Corporation of America, LabCorp).